The following is an entry in ClinVar:

ClinVar aggregate classification (germline): Pathogenic. Review status: criteria provided, single submitter (1 of 4 stars). 2 submissions from 2 submitters: Pathogenic (1). 1 of the submissions does not count toward it. Last evaluated 2023-10-13.

Conditions:
Microangiopathy and leukoencephalopathy, pontine, autosomal dominant. Also called: DEMENTIA, HEREDITARY MULTI-INFARCT, SWEDISH TYPE; Pontine autosomal dominant microangiopathy with leukoencephalopathy. Identifiers: Orphanet 477749, MedGen C5231411, MONDO:0032814, OMIM 618564.

Allele frequency attached by ClinVar (database versions not stated): TOPMed below 0.00001.

Submissions (2):

Labcorp Genetics (formerly Invitae), Labcorp
Classification: Pathogenic. Last evaluated: 2023-10-13. Review status: criteria provided, single submitter. Criteria: Invitae Variant Classification Sherloc (09022015). Collection method: clinical testing. Allele origin: germline.
Comment: This variant occurs in a non-coding region of the COL4A1 gene. It does not change the encoded amino acid sequence of the COL4A1 protein. This variant is not present in population databases (gnomAD no frequency). This variant has been observed in individuals with cerebral small vessel disease (PMID: 27666438). It has also been observed to segregate with disease in related individuals. ClinVar contains an entry for this variant (Variation ID: 689434). Algorithms developed to predict the effect of variants on protein structure and function are not available or were not evaluated for this variant. Experimental studies have shown that this variant affects COL4A1 function (PMID: 27666438). For these reasons, this variant has been classified as Pathogenic.

OMIM
Classification: Pathogenic for MICROANGIOPATHY AND LEUKOENCEPHALOPATHY, PONTINE, AUTOSOMAL DOMINANT. Last evaluated: 2019-09-06. Review status: no assertion criteria provided. Collection method: literature only. Allele origin: germline. Not counted in ClinVar's aggregate classification.

Literature cited by the submitters: PubMed 27666438 (cited by Labcorp Genetics (formerly Invitae), Labcorp and OMIM).

NM_001845.6(COL4A1):c.*32G>T

Gene: COL4A1 (collagen type IV alpha 1 chain; minus strand). Cytogenetic location: 13q34.
Variant type: single nucleotide variant.
Coding change: c.*32G>T on transcript NM_001845.6 (MANE Select); 32 bases downstream of the stop codon, G replaced by T.
Molecular consequence: 3 prime UTR variant.
Genome position (GRCh38, 1-based): chr13:110,150,331, C>A on the plus strand (G>T on the coding strand, the complement: COL4A1 is on the minus strand). VCF-style: chr13-110150331-C-A. GRCh37 (hg19) VCF-style: chr13-110802678-C-A.
Other names: +32G-T, 3-PRIME UTR.
Identifiers: ClinVar variation 689434 (VCV000689434.6), dbSNP rs1876439052, ClinGen allele CA2118723145.
Genomic context (GRCh38, chr13:110,150,331, plus strand): 5'-AGGTACACAGGATATATTTCTAGGGTTCGTTGCTGTTAACAAAAAGAAGAAGAAGTAGCA[C>A]CATGTTGTGACATTAGCTGAGTCAGGCTTCATTATGTTCTTCTCATACAGACTTGGCAGC-3'